The following is an entry in ClinVar:

ClinVar aggregate classification (germline): Uncertain significance. Review status: criteria provided, single submitter (1 of 4 stars). 2 submissions from 2 submitters: Uncertain significance (1). 1 of the submissions does not count toward it. Last evaluated 2025-10-29.

Conditions:
Inborn genetic diseases. Identifiers: MedGen C0950123, MeSH D030342.
TRIP4-related disorder. Also called: TRIP4-related condition; TRIP4-related disorders.

Allele frequency attached by ClinVar (database versions not stated): ExAC 0.00003; TOPMed 0.00003; gnomAD 0.00004; ESP Exome Variant Server 0.00008.
gnomAD v4.1: 18 of 1,587,940 alleles (0.0011%); highest among the groups gnomAD compares: African/African-American, 0.0082%; no homozygotes.

Submissions (2):

Ambry Genetics
Classification: Uncertain significance for Inborn genetic diseases. Last evaluated: 2025-10-29. Review status: criteria provided, single submitter. Criteria: Ambry Variant Classification Scheme 2023. Collection method: clinical testing. Allele origin: germline.

PreventionGenetics, part of Exact Sciences
Classification: Uncertain significance for TRIP4-related condition. Last evaluated: 2024-01-08. Review status: no assertion criteria provided. Collection method: clinical testing. Allele origin: germline. Not counted in ClinVar's aggregate classification.
Comment: The TRIP4 c.115A>G variant is predicted to result in the amino acid substitution p.Ile39Val. To our knowledge, this variant has not been reported in the literature. This variant is reported in 0.0066% of alleles in individuals of African descent in gnomAD. At this time, the clinical significance of this variant is uncertain due to the absence of conclusive functional and genetic evidence.

NM_016213.5(TRIP4):c.115A>G (p.Ile39Val)

Gene: TRIP4 (thyroid hormone receptor interactor 4; plus strand). Cytogenetic location: 15q22.31.
Variant type: single nucleotide variant.
Coding change: c.115A>G on transcript NM_016213.5 (MANE Select); coding-DNA position 115, A replaced by G.
Protein change: p.Ile39Val; replaces isoleucine 39 with valine.
Molecular consequence: missense variant. On other transcripts: 5 prime UTR variant (1), non-coding transcript variant (1).
Genome position (GRCh38, 1-based): chr15:64,393,959, A>G. VCF-style: chr15-64393959-A-G. GRCh37 (hg19) VCF-style: chr15-64686158-A-G.
Other names: c.-576A>G (NM_001321924.2); short protein forms I39V.
Identifiers: ClinVar variation 3029184 (VCV003029184.3), dbSNP rs147321478, ClinGen allele CA7609291.